The following is an entry in ClinVar:

NM_000085.5(CLCNKB):c.1092C>T (p.Asn364=)

Genes: CLCNKB (chloride voltage-gated channel Kb; plus strand), LOC106501713 (CLCNKB recombination region; plus strand). Cytogenetic location: 1p36.13.
Variant type: single nucleotide variant.
Coding change: c.1092C>T on transcript NM_000085.5 (MANE Select); coding-DNA position 1092, C replaced by T.
Protein change: p.Asn364=; no amino-acid change (asparagine 364 retained).
Molecular consequence: synonymous variant.
Genome position (GRCh38, 1-based): chr1:16,050,913, C>T. VCF-style: chr1-16050913-C-T. GRCh37 (hg19) VCF-style: chr1-16377408-C-T.
Other names: p.Asn364=; c.585C>T, p.Asn195= (NM_001165945.2).
Identifiers: ClinVar variation 932496 (VCV000932496.48), dbSNP rs151266668, ClinGen allele CA623711.
Genomic context (GRCh38, chr1:16,050,913, plus strand): 5'-GTTCCCACCTGCCCCGCCACAGCTGTCCATGAAGCAGCATCTGGACTCGCTGTTCGACAA[C>T]CACTCCTGGGCGCTGATGACCCAGAACTCCAGCCCACCCTGGCCCGAGGAGCTCGACCCC-3'
Protein context (NP_000076.2, residues 354-374): MKQHLDSLFD[Asn364=]HSWALMTQNS

ClinVar aggregate classification (germline): Likely benign. Review status: criteria provided, multiple submitters, no conflicts (2 of 4 stars). 6 submissions from 6 submitters: Likely benign (6). Last evaluated 2026-01-12.

Conditions:
Bartter disease type 4B. Also called: BARTTER SYNDROME, TYPE 4B; BARTTER SYNDROME, TYPE 4B, NEONATAL, WITH SENSORINEURAL DEAFNESS; Bartter syndrome, type 4b, digenic. Identifiers: Orphanet 112, MedGen C4310805, MONDO:0000909, OMIM 613090.
Bartter disease type 3. Also called: Bartter syndrome type 3. Identifiers: Orphanet 112, Orphanet 93605, MedGen C1846343, MONDO:0011822, OMIM 607364.

Allele frequency attached by ClinVar (database versions not stated): 1000 Genomes Project 30x 0.00031; 1000 Genomes Project 0.00040; TOPMed 0.00074; gnomAD 0.00087 and 0.00093; gnomAD exomes 0.00092 and 0.00109; ESP Exome Variant Server 0.00108; ExAC 0.00114.
gnomAD v4.1: 1,722 of 1,612,782 alleles (0.11%); highest among the groups gnomAD compares: Non-Finnish European, 0.13%; 4 homozygotes.

Submissions (6):

Labcorp Genetics (formerly Invitae), Labcorp
Classification: Likely benign. Last evaluated: 2026-01-12. Review status: criteria provided, single submitter. Criteria: Invitae Variant Classification Sherloc (09022015). Collection method: clinical testing. Allele origin: germline.

Mayo Clinic Laboratories, Mayo Clinic
Classification: Likely benign. Last evaluated: 2025-12-04. Review status: criteria provided, single submitter. Criteria: ACMG Guidelines, 2015. Collection method: clinical testing. Allele origin: germline. Observed: 2 variant alleles.
Comment: BP4, BP7

Blueprint Genetics
Classification: Likely benign. Last evaluated: 2024-11-26. Review status: criteria provided, single submitter. Criteria: ACMG Guidelines, 2015. Collection method: clinical testing. Allele origin: germline.

CeGaT Center for Human Genetics Tuebingen
Classification: Likely benign. Last evaluated: 2022-03-01. Review status: criteria provided, single submitter. Criteria: CeGaT Center For Human Genetics Tuebingen Variant Classification Criteria Version 2. Collection method: clinical testing. Allele origin: germline. Affected: yes. Observed: 2 variant alleles.
Comment: CLCNKB: BP4, BP7

Fulgent Genetics
Classification: Likely benign for Bartter disease type 3; Bartter disease type 4B. Last evaluated: 2021-08-18. Review status: criteria provided, single submitter. Criteria: ACMG Guidelines, 2015. Collection method: clinical testing. Allele origin: unknown.

Breakthrough Genomics
Classification: Likely benign. Review status: criteria provided, single submitter. Criteria: ACMG Guidelines, 2015. Collection method: not provided. Allele origin: germline. Inheritance: Autosomal recessive inheritance. Affected: yes.